The following is an entry in ClinVar:

NM_004304.5(ALK):c.2786C>G (p.Ser929Cys)

Gene: ALK (ALK receptor tyrosine kinase; minus strand). Cytogenetic location: 2p23.2.
Variant type: single nucleotide variant.
Coding change: c.2786C>G on transcript NM_004304.5 (MANE Select); coding-DNA position 2786, C replaced by G.
Protein change: p.Ser929Cys; replaces serine 929 with cysteine.
Molecular consequence: missense variant.
Genome position (GRCh38, 1-based): chr2:29,228,913, G>C on the plus strand (C>G on the coding strand, the complement: ALK is on the minus strand). VCF-style: chr2-29228913-G-C. GRCh37 (hg19) VCF-style: chr2-29451779-G-C.
Other names: short protein forms S929C.
Identifiers: ClinVar variation 965129 (VCV000965129.9), dbSNP rs752568687, ClinGen allele CA1594198.

ClinVar aggregate classification (germline): Uncertain significance (1 of 4 stars; one submission).

Conditions:
Neuroblastoma, susceptibility to, 3. Also called: ALK-Related Neuroblastic Tumor Susceptibility. Identifiers: Orphanet 635, MedGen C2751681, MONDO:0013083, OMIM 613014.

gnomAD v4.1: 5 of 1,589,650 alleles (0.00031%); highest among the groups gnomAD compares: Non-Finnish European, 0.00017%; no homozygotes.

Submission:

Labcorp Genetics (formerly Invitae), Labcorp
Classification: Uncertain significance for Neuroblastoma, susceptibility to, 3. Last evaluated: 2019-10-31. Review status: criteria provided, single submitter. Criteria: Invitae Variant Classification Sherloc (09022015). Collection method: clinical testing. Allele origin: germline.
Comment: This variant has not been reported in the literature in individuals with ALK-related conditions. This variant is present in population databases (rs752568687, ExAC 0.002%). This sequence change replaces serine with cysteine at codon 929 of the ALK protein (p.Ser929Cys). The serine residue is highly conserved and there is a moderate physicochemical difference between serine and cysteine. Algorithms developed to predict the effect of missense changes on protein structure and function (SIFT, PolyPhen-2, Align-GVGD) all suggest that this variant is likely to be disruptive, but these predictions have not been confirmed by published functional studies and their clinical significance is uncertain. In summary, the available evidence is currently insufficient to determine the role of this variant in disease. Therefore, it has been classified as a Variant of Uncertain Significance.